The following is an entry in ClinVar:

ClinVar aggregate classification (germline): Uncertain significance. Review status: criteria provided, multiple submitters, no conflicts (2 of 4 stars). 3 submissions from 3 submitters: Uncertain significance (3). Last evaluated 2025-04-04.

Conditions:
Inborn genetic diseases. Identifiers: MedGen C0950123, MeSH D030342.
Parkinson disease 17 (PARK17). Also called: VPS35-Related Parkinson Disease. Identifiers: Orphanet 411602, MedGen C3280133, MONDO:0013625, OMIM 614203.

Allele frequency attached by ClinVar (database versions not stated): gnomAD exomes below 0.00001 and 0.00001; ExAC 0.00001; gnomAD 0.00001; TOPMed 0.00001; ESP Exome Variant Server 0.00008.
gnomAD v4.1: 3 of 1,613,710 alleles (0.00019%); highest among the groups gnomAD compares: Non-Finnish European, 0.00025%; no homozygotes.

Submissions (3):

Ambry Genetics
Classification: Uncertain significance for Inborn genetic diseases. Last evaluated: 2025-04-04. Review status: criteria provided, single submitter. Criteria: Ambry Variant Classification Scheme 2023. Collection method: clinical testing. Allele origin: germline.

Fulgent Genetics
Classification: Uncertain significance for Parkinson disease 17. Last evaluated: 2021-07-16. Review status: criteria provided, single submitter. Criteria: ACMG Guidelines, 2015. Collection method: clinical testing. Allele origin: unknown.

Labcorp Genetics (formerly Invitae), Labcorp
Classification: Uncertain significance for Parkinson disease 17. Last evaluated: 2021-02-18. Review status: criteria provided, single submitter. Criteria: Invitae Variant Classification Sherloc (09022015). Collection method: clinical testing. Allele origin: germline.
Comment: In summary, the available evidence is currently insufficient to determine the role of this variant in disease. Therefore, it has been classified as a Variant of Uncertain Significance. Algorithms developed to predict the effect of missense changes on protein structure and function (SIFT, PolyPhen-2, Align-GVGD) all suggest that this variant is likely to be tolerated, but these predictions have not been confirmed by published functional studies and their clinical significance is uncertain. This variant has not been reported in the literature in individuals with VPS35-related conditions. This variant is present in population databases (rs375087873, ExAC 0.002%). This sequence change replaces phenylalanine with tyrosine at codon 421 of the VPS35 protein (p.Phe421Tyr). The phenylalanine residue is highly conserved and there is a small physicochemical difference between phenylalanine and tyrosine.

NM_018206.6(VPS35):c.1262T>A (p.Phe421Tyr)

Gene: VPS35 (VPS35 retromer complex component; minus strand). Cytogenetic location: 16q11.2.
Variant type: single nucleotide variant.
Coding change: c.1262T>A on transcript NM_018206.6 (MANE Select); coding-DNA position 1262, T replaced by A.
Protein change: p.Phe421Tyr; replaces phenylalanine 421 with tyrosine.
Molecular consequence: missense variant.
Genome position (GRCh38, 1-based): chr16:46,672,371, A>T on the plus strand (T>A on the coding strand, the complement: VPS35 is on the minus strand). VCF-style: chr16-46672371-A-T. GRCh37 (hg19) VCF-style: chr16-46706283-A-T.
Other names: c.1262T>A (NM_018206.4); short protein forms F421Y.
Identifiers: ClinVar variation 1521803 (VCV001521803.10), dbSNP rs375087873, ClinGen allele CA8036862.
Genomic context (GRCh38, chr16:46,672,371, plus strand): 5'-AGCACATAACAACTCATGCTCTTTCTGGACTCGTAGTCAAAGTACTCAAAGAGTGGGTGA[A>T]AATGTTTTAATTTCAAGACTGTTAAAATATTGTTGTAAGTGTCAACTGGTATTTTCAAAA-3'
Protein context (NP_060676.2, residues 411-431): NILTVLKLKH[Phe421Tyr]HPLFEYFDYE